The following is an entry in ClinVar:

NM_003388.5(CLIP2):c.614A>G (p.Asn205Ser)

Gene: CLIP2 (CAP-Gly domain containing linker protein 2; plus strand). Cytogenetic location: 7q11.23.
Variant type: single nucleotide variant.
Coding change: c.614A>G on transcript NM_003388.5 (MANE Select); coding-DNA position 614, A replaced by G.
Protein change: p.Asn205Ser; replaces asparagine 205 with serine.
Molecular consequence: missense variant.
Genome position (GRCh38, 1-based): chr7:74,338,940, A>G. VCF-style: chr7-74338940-A-G. GRCh37 (hg19) VCF-style: chr7-73753270-A-G.
Other names: c.614A>G, p.Asn205Ser (NM_032421.3); short protein forms N205S.
Identifiers: ClinVar variation 4832783 (VCV004832783.1).
Genomic context (GRCh38, chr7:74,338,940, plus strand): 5'-TCCCCCTGCGGGAGAGCGTCCTCAACAGCTCCGTGAAGACTGGCAACGAGTCGGGATCCA[A>G]CCTCTCAGACAGCGGCTCTGTGAAGCGGGGCGAAAAGGACCTGCGCCTGGGGGACCGCGT-3'
Protein context (NP_003379.4, residues 195-215): SVKTGNESGS[Asn205Ser]LSDSGSVKRG

ClinVar aggregate classification (germline): Uncertain significance (1 of 4 stars; one submission).

gnomAD v4.1: 10 of 1,600,288 alleles (0.00062%); highest among the groups gnomAD compares: South Asian, 0.0011%; no homozygotes.

Submission:

Ambry Genetics
Classification: Uncertain significance. Last evaluated: 2026-01-14. Review status: criteria provided, single submitter. Criteria: Ambry Variant Classification Scheme 2023. Collection method: clinical testing. Allele origin: germline.
Comment: The c.614A>G (p.N205S) alteration is located in exon 3 (coding exon 2) of the CLIP2 gene. This alteration results from a A to G substitution at nucleotide position 614, causing the asparagine (N) at amino acid position 205 to be replaced by a serine (S). Based on data from gnomAD, the G allele has an overall frequency of <0.001% (0/235248) total alleles studied. The highest observed frequency was <0.001% (/) of alleles. Based on insufficient or conflicting evidence, the clinical significance of this alteration remains unclear.